The following is an entry in ClinVar:

NM_007294.4(BRCA1):c.5525T>G (p.Val1842Gly)

Gene: BRCA1 (BRCA1 DNA repair associated; minus strand). Cytogenetic location: 17q21.31.
Variant type: single nucleotide variant.
Coding change: c.5525T>G on transcript NM_007294.4 (MANE Select); coding-DNA position 5525, T replaced by G.
Protein change: p.Val1842Gly; replaces valine 1842 with glycine.
Molecular consequence: missense variant. On other transcripts: 3 prime UTR variant (1), non-coding transcript variant (1).
Genome position (GRCh38, 1-based): chr17:43,045,745, A>C on the plus strand (T>G on the coding strand, the complement: BRCA1 is on the minus strand). VCF-style: chr17-43045745-A-C. GRCh37 (hg19) VCF-style: chr17-41197762-A-C.
Other names: c.5381T>G, p.Val1794Gly (NM_001407734.1, NM_001407735.1, NM_001407736.1 and 18 more transcripts); c.2138T>G, p.Val713Gly (NM_001408411.1); c.2135T>G, p.Val712Gly (NM_001408412.1, NM_001408413.1, NM_001408414.1 and 2 more transcripts); c.2099T>G, p.Val700Gly (NM_001408418.1, NM_001408419.1, NM_001408420.1); c.2096T>G, p.Val699Gly (NM_001408421.1, NM_001408422.1, NM_001408423.1 and 1 more transcripts); c.5522T>G, p.Val1841Gly (NM_001407610.1, NM_001407611.1, NM_001407612.1 and 14 more transcripts); c.5519T>G, p.Val1840Gly (NM_001407629.1, NM_001407630.1, NM_001407631.1 and 13 more transcripts); c.5465T>G, p.Val1822Gly (NM_001407649.1); and 74 more; short protein forms V1795G, V1863G, V1842G, V738G, V1730G, V1758G, V1771G, V1814G.
Identifiers: ClinVar variation 864971 (VCV000864971.3), dbSNP rs1555574400, ClinGen allele CA10590266.
Genomic context (GRCh38, chr17:43,045,745, plus strand): 5'-TGGCTGTGGGGGATCTGGGGTATCAGGTAGGTGTCCAGCTCCTGGCACTGGTAGAGTGCT[A>C]CACTGTCCAACACCCACTCTCGGGTCACCACAGGTGCCTCACACATCTGCCCAATTGCTG-3'
Protein context (NP_009225.1, residues 1832-1852): VVTREWVLDS[Val1842Gly]ALYQCQELDT

Conditions:
Breast-ovarian cancer, familial, susceptibility to, 1 (BROVCA1). Also called: BRCA1 Hereditary Breast and Ovarian Cancer; OVARIAN CANCER, SUSCEPTIBILITY TO. Identifiers: Orphanet 145, MedGen C2676676, MONDO:0011450, OMIM 604370. Disease mechanism: loss of function.

Submission:

Brotman Baty Institute, University of Washington
No classification provided (evidence only). Condition: Breast-ovarian cancer, familial 1. Review status: no classification provided. Collection method: in vitro. Allele origin: not applicable. Functional consequence: functionally_abnormal.
ClinVar note: "not provided" was previously submitted as the classification for the variant. However, the classification appeared to be based only on an observation of functional data so it was converted to no classification on 2025-07-30.